The following is an entry in ClinVar:

ClinVar aggregate classification (germline): Uncertain significance (1 of 4 stars; one submission).

Conditions:
Autosomal recessive ataxia, Beauce type. Also called: SYNE1-Related Autosomal Recessive Cerebellar Ataxia; Spinocerebellar ataxia, autosomal recessive 8; ATAXIA, RECESSIVE, OF BEAUCE; SYNE1 Deficiency. Identifiers: Orphanet 88644, MedGen C1853116, MONDO:0012549, OMIM 610743.
Emery-Dreifuss muscular dystrophy 4, autosomal dominant (EDMD4). Also called: EMERY-DREIFUSS MUSCULAR DYSTROPHY 4 WITH VARIABLE FEATURES. Identifiers: Orphanet 261, MedGen C2751807, MONDO:0013071, OMIM 612998.

Submission:

Labcorp Genetics (formerly Invitae), Labcorp
Classification: Uncertain significance for Emery-Dreifuss muscular dystrophy 4, autosomal dominant; Autosomal recessive ataxia, Beauce type. Last evaluated: 2025-06-22. Review status: criteria provided, single submitter. Criteria: Invitae Variant Classification Sherloc (09022015). Collection method: clinical testing. Allele origin: germline.
Comment: This sequence change replaces valine, which is neutral and non-polar, with alanine, which is neutral and non-polar, at codon 6316 of the SYNE1 protein (p.Val6316Ala). This variant is not present in population databases (gnomAD no frequency). This variant has not been reported in the literature in individuals affected with SYNE1-related conditions. An algorithm developed to predict the effect of missense changes on protein structure and function (PolyPhen-2) suggests that this variant is likely to be disruptive. In summary, the available evidence is currently insufficient to determine the role of this variant in disease. Therefore, it has been classified as a Variant of Uncertain Significance.

NM_182961.4(SYNE1):c.19160T>C (p.Val6387Ala)

Gene: SYNE1 (spectrin repeat containing nuclear envelope protein 1; minus strand). Cytogenetic location: 6q25.2.
Variant type: single nucleotide variant.
Coding change: c.19160T>C on transcript NM_182961.4 (MANE Select); coding-DNA position 19160, T replaced by C.
Protein change: p.Val6387Ala; replaces valine 6387 with alanine.
Molecular consequence: missense variant.
Genome position (GRCh38, 1-based): chr6:152,255,691, A>G on the plus strand (T>C on the coding strand, the complement: SYNE1 is on the minus strand). VCF-style: chr6-152255691-A-G. GRCh37 (hg19) VCF-style: chr6-152576826-A-G.
Other names: c.18947T>C, p.Val6316Ala (NM_033071.5); short protein forms V6316A, V6387A.
Identifiers: ClinVar variation 4790381 (VCV004790381.1).